The following is an entry in ClinVar:

ClinVar aggregate classification (germline): Pathogenic (1 of 4 stars; one submission).

Conditions:
Fanconi anemia (FA). Also called: Fanconi's anemia. Identifiers: Orphanet 84, MedGen C0015625, MeSH D005199, MONDO:0019391.

Submission:

Labcorp Genetics (formerly Invitae), Labcorp
Classification: Pathogenic for Fanconi anemia. Last evaluated: 2022-09-25. Review status: criteria provided, single submitter. Criteria: Invitae Variant Classification Sherloc (09022015). Collection method: clinical testing. Allele origin: germline.
Comment: This sequence change creates a premature translational stop signal (p.Pro107Leufs*12) in the FANCL gene. It is expected to result in an absent or disrupted protein product. Loss-of-function variants in FANCL are known to be pathogenic (PMID: 19405097, 23613520). This variant is not present in population databases (gnomAD no frequency). This variant has not been reported in the literature in individuals affected with FANCL-related conditions. For these reasons, this variant has been classified as Pathogenic.

Literature cited by the submitters: PubMed 19405097; PubMed 23613520.

NM_018062.4(FANCL):c.320del (p.Pro107fs)

Gene: FANCL (FA complementation group L; minus strand). Cytogenetic location: 2p16.1.
Variant type: Deletion.
Coding change: c.320del on transcript NM_018062.4 (MANE Select); coding-DNA position 320, one base deleted (C; older notation c.320delC).
Protein change: p.Pro107fs; shifts the reading frame from proline 107.
Molecular consequence: frameshift variant.
Genome position (GRCh38, 1-based): chr2:58,221,996, G deleted on the plus strand (C on the coding strand, the reverse complement: FANCL is on the minus strand); the first of 2 consecutive G bases (chr2:58,221,996-58,221,997); deleting either gives the same sequence. VCF-style (leftmost placement, unchanged base first): chr2-58221995-AG-A. GRCh37 (hg19) VCF-style: chr2-58449130-AG-A.
Other names: c.319delC, p.Pro107Leufs (NM_001114636.2); c.320del, p.Pro107fs (NM_001374615.1, NM_001410792.1); short protein forms P107fs.
Identifiers: ClinVar variation 1992250 (VCV001992250.4), dbSNP rs2467426584, ClinGen allele CA2580067514.